The following is an entry in ClinVar:

ClinVar aggregate classification (germline): Uncertain significance (1 of 4 stars; one submission).

Conditions:
Hypertrophic cardiomyopathy. Also called: HYPERTROPHIC MYOCARDIOPATHY. Identifiers: Orphanet 217569, MedGen C0007194, MeSH D002312, MONDO:0005045, HP:0001639.

Submission:

Labcorp Genetics (formerly Invitae), Labcorp
Classification: Uncertain significance for Hypertrophic cardiomyopathy. Last evaluated: 2021-02-17. Review status: criteria provided, single submitter. Criteria: Invitae Variant Classification Sherloc (09022015). Collection method: clinical testing. Allele origin: germline.
Comment: In summary, the available evidence is currently insufficient to determine the role of this variant in disease. Therefore, it has been classified as a Variant of Uncertain Significance. This variant has not been reported in the literature in individuals with JPH2-related conditions. This variant is not present in population databases (ExAC no frequency). This sequence change creates a premature translational stop signal (p.Thr122Asnfs*4) in the JPH2 gene. It is expected to result in an absent or disrupted protein product. However, the current clinical and genetic evidence is not sufficient to establish whether loss-of-function variants in JPH2 cause disease.

NM_020433.5(JPH2):c.364dup (p.Thr122fs)

Gene: JPH2 (junctophilin 2; minus strand). Cytogenetic location: 20q13.12.
Variant type: Duplication.
Coding change: c.364dup on transcript NM_020433.5 (MANE Select); coding-DNA position 364, one base duplicated (A; older notation c.364dupA).
Protein change: p.Thr122fs; shifts the reading frame from threonine 122.
Molecular consequence: frameshift variant.
Genome position (GRCh38, 1-based): chr20:44,186,342, T duplicated on the plus strand (A on the coding strand, the reverse complement: JPH2 is on the minus strand). VCF-style (leftmost placement, unchanged base first): chr20-44186341-G-GT. GRCh37 (hg19) VCF-style: chr20-42814981-G-GT.
Other names: c.364dup, p.Thr122fs (NM_175913.4); short protein forms T122fs.
Identifiers: ClinVar variation 1409848 (VCV001409848.6), dbSNP rs2145905725, ClinGen allele CA2573157094.